The following is an entry in ClinVar:

NM_006734.4(HIVEP2):c.6544C>G (p.Pro2182Ala)

Gene: HIVEP2 (HIVEP zinc finger 2; minus strand). Cytogenetic location: 6q24.2.
Variant type: single nucleotide variant.
Coding change: c.6544C>G on transcript NM_006734.4 (MANE Select); coding-DNA position 6544, C replaced by G.
Protein change: p.Pro2182Ala; replaces proline 2182 with alanine.
Molecular consequence: missense variant.
Genome position (GRCh38, 1-based): chr6:142,753,904, G>C on the plus strand (C>G on the coding strand, the complement: HIVEP2 is on the minus strand). VCF-style: chr6-142753904-G-C. GRCh37 (hg19) VCF-style: chr6-143075041-G-C.
Other names: short protein forms P2182A.
Identifiers: ClinVar variation 1313000 (VCV001313000.2), dbSNP rs2114585939, ClinGen allele CA365942265.
Genomic context (GRCh38, chr6:142,753,904, plus strand): 5'-AAAGGCTGGAGCCTGGATGTTCATAAGCACCTTCTTGGTCTCCATAGAGACTGAAGTAAG[G>C]AACCTGAGGTAATCCTCTTCTTAAATTCTGCGCAGAGAAACAAAGAGAGCACAAAATTCA-3'
Protein context (NP_006725.3, residues 2172-2192): PNLRRGLPQV[Pro2182Ala]YFSLYGDQEG

ClinVar aggregate classification (germline): Uncertain significance (1 of 4 stars; one submission).

Submission:

GeneDx
Classification: Uncertain significance. Last evaluated: 2020-07-06. Review status: criteria provided, single submitter. Criteria: GeneDx Variant Classification Process June 2021. Collection method: clinical testing. Allele origin: germline. Affected: yes.
Comment: Not observed in large population cohorts (Lek et al., 2016); In silico analysis supports that this missense variant does not alter protein structure/function; Has not been previously published as pathogenic or benign to our knowledge